The following is an entry in ClinVar:

ClinVar aggregate classification (germline): Likely pathogenic (1 of 4 stars; one submission).

Conditions:
DNAH1-related disorder. Also called: DNAH1-related condition.

Submission:

PreventionGenetics, part of Exact Sciences
Classification: Likely pathogenic for DNAH1-related condition. Last evaluated: 2023-06-16. Review status: criteria provided, single submitter. Criteria: ACMG Guidelines, 2015. Collection method: clinical testing. Allele origin: germline.
Comment: The DNAH1 c.10627-1_10627delinsTT variant is predicted to result in an in-frame deletion and insertion. ,which is predicted to abolish the splice acceptor site based on available splicing prediction programs (Alamut Visual Plus v1.6.1). However, the exact biological impact of this variant is unknown. To our knowledge, this variant has not been reported in the literature or in a large population database, indicating this variant is rare. Variants that disrupt the consensus splice acceptor site in DNAH1 are expected to be pathogenic. This variant is interpreted as likely pathogenic.

NM_015512.5(DNAH1):c.10627-1_10627delinsTT

Gene: DNAH1 (dynein axonemal heavy chain 1; plus strand). Cytogenetic location: 3p21.1.
Variant type: Indel.
Coding change: c.10627-1_10627delinsTT on transcript NM_015512.5 (MANE Select); the canonical splice acceptor site of the intron before coding-DNA position 10627 through coding-DNA position 10627, GA replaced by TT.
Molecular consequence: splice acceptor variant.
Genome position (GRCh38, 1-based): chr3:52,394,464-52,394,465, GA replaced by TT. VCF-style: chr3-52394464-GA-TT. GRCh37 (hg19) VCF-style: chr3-52428480-GA-TT.
Identifiers: ClinVar variation 2632462 (VCV002632462.1), dbSNP rs2471291875, ClinGen allele CA2695197910.
Genomic context (GRCh38, chr3:52,394,464, plus strand): 5'-TGCCCAGAGCAGGAGGAGCTGGCCAGGGCCTGGGCATCAGCCTCCTCCTGTCCCCTGCCA[GA>TT]GTGAGTGGCGATACCTCCTGTCTGGGGGCTCCATCTCGATCATGACTGAGAATCCGGCAC-3'